The following is an entry in ClinVar:

ClinVar aggregate classification (germline): Uncertain significance (1 of 4 stars; one submission).

Submission:

Labcorp Genetics (formerly Invitae), Labcorp
Classification: Uncertain significance. Last evaluated: 2022-11-22. Review status: criteria provided, single submitter. Criteria: Invitae Variant Classification Sherloc (09022015). Collection method: clinical testing. Allele origin: germline.
Comment: This sequence change replaces glutamine, which is neutral and polar, with glutamic acid, which is acidic and polar, at codon 1936 of the MYH7B protein (p.Gln1936Glu). Algorithms developed to predict the effect of sequence changes on RNA splicing suggest that this variant may disrupt the consensus splice site. Algorithms developed to predict the effect of missense changes on protein structure and function are either unavailable or do not agree on the potential impact of this missense change (SIFT: "Deleterious"; PolyPhen-2: "Benign"; Align-GVGD: "Class C25"). This variant has not been reported in the literature in individuals affected with MYH7B-related conditions. This variant is not present in population databases (gnomAD no frequency). In summary, the available evidence is currently insufficient to determine the role of this variant in disease. Therefore, it has been classified as a Variant of Uncertain Significance.

NM_020884.7(MYH7B):c.5680C>G (p.Gln1894Glu)

Gene: MYH7B (myosin heavy chain 7B; plus strand). Cytogenetic location: 20q11.22.
Variant type: single nucleotide variant.
Coding change: c.5680C>G on transcript NM_020884.7 (MANE Select); coding-DNA position 5680, C replaced by G.
Protein change: p.Gln1894Glu; replaces glutamine 1894 with glutamic acid.
Molecular consequence: missense variant.
Genome position (GRCh38, 1-based): chr20:35,001,951, C>G. VCF-style: chr20-35001951-C-G. GRCh37 (hg19) VCF-style: chr20-33589754-C-G.
Other names: short protein forms Q1894E.
Identifiers: ClinVar variation 2082415 (VCV002082415.4), dbSNP rs2519251556, ClinGen allele CA408721545.
Genomic context (GRCh38, chr20:35,001,951, plus strand): 5'-ACCAGAATAAGCATCTCAGTCACCCAAGCGGAACCAAGGCCCTGTGTGTGCCCCCAGGAG[C>G]AGCAGGCCAACACCAACCTGGCCAAGTATCGCAAGGCCCAGCACGAGCTGGATGATGCGG-3'
Protein context (NP_065935.4, residues 1884-1904): SYKRQFEEAE[Gln1894Glu]QANTNLAKYR